The following is an entry in ClinVar:

ClinVar aggregate classification (germline): Likely benign. Review status: criteria provided, multiple submitters, no conflicts (2 of 4 stars). 4 submissions from 4 submitters: Likely benign (4). Last evaluated 2025-07-25.

Conditions:
Familial thoracic aortic aneurysm and aortic dissection (TAAD). Also called: Thoracic aortic aneurysms and dissections. Identifiers: Orphanet 91387, MedGen C4707243, MONDO:0019625.
Loeys-Dietz syndrome 2 (LDS2). Also called: Marfan syndrome, type 2 (formerly); Marfan Syndrome type 2; Marfan like connective tissue disorder; MFS 2; AORTIC ANEURYSM, FAMILIAL THORACIC 3; MARFAN SYNDROME, TYPE II. Identifiers: Orphanet 284973, Orphanet 558, MedGen C2674574, MONDO:0012427, OMIM 610168.

Allele frequency attached by ClinVar (database versions not stated): gnomAD exomes below 0.00001; ExAC 0.00001; gnomAD 0.00014; TOPMed 0.00016.
gnomAD v4.1: 20 of 1,614,064 alleles (0.0012%); no homozygotes.

Submissions (4):

Labcorp Genetics (formerly Invitae), Labcorp
Classification: Likely benign for Familial thoracic aortic aneurysm and aortic dissection. Last evaluated: 2025-07-25. Review status: criteria provided, single submitter. Criteria: Invitae Variant Classification Sherloc (09022015). Collection method: clinical testing. Allele origin: germline.

Ambry Genetics
Classification: Likely benign for Familial thoracic aortic aneurysm and aortic dissection. Last evaluated: 2023-12-22. Review status: criteria provided, single submitter. Criteria: Ambry Variant Classification Scheme 2023. Collection method: clinical testing. Allele origin: germline.

All of Us Research Program, National Institutes of Health
Classification: Likely benign for Loeys-Dietz syndrome 2. Last evaluated: 2023-09-17. Review status: criteria provided, single submitter. Criteria: ACMG Guidelines, 2015. Collection method: clinical testing. Allele origin: germline. Inheritance: Autosomal dominant inheritance. Observed: 1 variant allele, 1 heterozygote.
Comment: This study involves interpretation of variants in research participants for the purpose of population health screening. Participant phenotype was not available at the time of variant classification. Additional details can be found in publication PMID: 35346344, PMCID: PMC8962531

Color Diagnostics, LLC DBA Color Health
Classification: Likely benign for Familial thoracic aortic aneurysm and aortic dissection. Last evaluated: 2018-12-10. Review status: criteria provided, single submitter. Criteria: ACMG Guidelines, 2015. Collection method: clinical testing. Allele origin: germline.

NM_003242.6(TGFBR2):c.747G>C (p.Leu249=)

Gene: TGFBR2 (transforming growth factor beta receptor 2; plus strand). Cytogenetic location: 3p24.1.
Variant type: single nucleotide variant.
Coding change: c.747G>C on transcript NM_003242.6 (MANE Select); coding-DNA position 747, G replaced by C.
Protein change: p.Leu249=; no amino-acid change (leucine 249 retained).
Molecular consequence: synonymous variant. On other transcripts: intron variant (1).
Genome position (GRCh38, 1-based): chr3:30,671,930, G>C. VCF-style: chr3-30671930-G-C. GRCh37 (hg19) VCF-style: chr3-30713422-G-C.
Other names: c.822G>C, p.Leu274= (NM_001024847.3); c.930G>C, p.Leu310= (NM_001407126.1); c.855G>C, p.Leu285= (NM_001407127.1); c.774G>C, p.Leu258= (NM_001407128.1); c.750G>C, p.Leu250= (NM_001407129.1); c.747G>C, p.Leu249= (NM_001407130.1); c.642G>C, p.Leu214= (NM_001407132.1, NM_001407133.1, NM_001407134.1 and 2 more transcripts); c.462G>C, p.Leu154= (NM_001407137.1); and 2 more.
Identifiers: ClinVar variation 928172 (VCV000928172.12), dbSNP rs772907386, ClinGen allele CA049797.